The following is an entry in ClinVar:

NM_001291867.2(NHS):c.1317T>C (p.Asn439=)

Gene: NHS (NHS actin remodeling regulator; plus strand). Cytogenetic location: Xp22.13.
Variant type: single nucleotide variant.
Coding change: c.1317T>C on transcript NM_001291867.2 (MANE Select); coding-DNA position 1317, T replaced by C.
Protein change: p.Asn439=; no amino-acid change (asparagine 439 retained).
Molecular consequence: synonymous variant.
Genome position (GRCh38, 1-based): chrX:17,725,423, T>C. VCF-style: chrX-17725423-T-C. GRCh37 (hg19) VCF-style: chrX-17743543-T-C.
Other names: c.786T>C, p.Asn262= (NM_001136024.4); c.723T>C, p.Asn241= (NM_001291868.2); c.1254T>C, p.Asn418= (NM_198270.4).
Identifiers: ClinVar variation 2660083 (VCV002660083.24), dbSNP rs2066434521, ClinGen allele CA515625061.

ClinVar aggregate classification (germline): Likely benign (1 of 4 stars; one submission).

Allele frequency attached by ClinVar (database versions not stated): gnomAD exomes 0.00001.
gnomAD v4.1: 9 of 1,210,509 alleles (0.00074%); highest among the groups gnomAD compares: Non-Finnish European, 0.001%; no homozygotes.

Submission:

CeGaT Center for Human Genetics Tuebingen
Classification: Likely benign. Last evaluated: 2023-06-01. Review status: criteria provided, single submitter. Criteria: CeGaT Center For Human Genetics Tuebingen Variant Classification Criteria Version 2. Collection method: clinical testing. Allele origin: germline. Affected: yes. Observed: 1 variant allele.
Comment: NHS: PM2:Supporting, BP4, BP7